The following is an entry in ClinVar:

NM_006567.5(FARS2):c.442C>T (p.Arg148Trp)

Genes: FARS2 (phenylalanyl-tRNA synthetase 2, mitochondrial; plus strand), LOC126859565 (CDK7 strongly-dependent group 2 enhancer GRCh37_chr6:5368745-5369944; plus strand). Cytogenetic location: 6p25.1.
Variant type: single nucleotide variant.
Coding change: c.442C>T on transcript NM_006567.5 (MANE Select); coding-DNA position 442, C replaced by T.
Protein change: p.Arg148Trp; replaces arginine 148 with tryptophan.
Molecular consequence: missense variant. On other transcripts: intron variant (2).
Genome position (GRCh38, 1-based): chr6:5,369,012, C>T. VCF-style: chr6-5369012-C-T. GRCh37 (hg19) VCF-style: chr6-5369245-C-T.
Other names: c.442C>T, p.Arg148Trp (NM_001318872.2, NM_001374875.1, NM_001374876.1 and 5 more transcripts); c.-340-27621C>T (NM_001375260.1); c.-84-35530C>T (NM_001375259.1); short protein forms R148W.
Identifiers: ClinVar variation 3013773 (VCV003013773.3), dbSNP rs1290553730, ClinGen allele CA362735295.

ClinVar aggregate classification (germline): Uncertain significance (1 of 4 stars; one submission).

Conditions:
Combined oxidative phosphorylation defect type 14. Also called: Combined oxidative phosphorylation deficiency 14. Identifiers: Orphanet 319519, MedGen C4755312, MONDO:0013986, OMIM 614946.

Allele frequency attached by ClinVar (database versions not stated): gnomAD exomes 0.00001; TOPMed 0.00001; gnomAD 0.00002.
gnomAD v4.1: 22 of 1,613,980 alleles (0.0014%); highest among the groups gnomAD compares: South Asian, 0.0044%; no homozygotes.

Submission:

Labcorp Genetics (formerly Invitae), Labcorp
Classification: Uncertain significance for Combined oxidative phosphorylation defect type 14. Last evaluated: 2022-10-25. Review status: criteria provided, single submitter. Criteria: Invitae Variant Classification Sherloc (09022015). Collection method: clinical testing. Allele origin: germline.
Comment: In summary, the available evidence is currently insufficient to determine the role of this variant in disease. Therefore, it has been classified as a Variant of Uncertain Significance. Advanced modeling of protein sequence and biophysical properties (such as structural, functional, and spatial information, amino acid conservation, physicochemical variation, residue mobility, and thermodynamic stability) performed at Invitae indicates that this missense variant is expected to disrupt FARS2 protein function. This variant has not been reported in the literature in individuals affected with FARS2-related conditions. This variant is present in population databases (no rsID available, gnomAD 0.004%). This sequence change replaces arginine, which is basic and polar, with tryptophan, which is neutral and slightly polar, at codon 148 of the FARS2 protein (p.Arg148Trp).